The following is an entry in ClinVar:

NM_018975.4(TERF2IP):c.155C>G (p.Thr52Ser)

Gene: TERF2IP (TERF2 interacting protein; plus strand). Cytogenetic location: 16q23.1.
Variant type: single nucleotide variant.
Coding change: c.155C>G on transcript NM_018975.4 (MANE Select); coding-DNA position 155, C replaced by G.
Protein change: p.Thr52Ser; replaces threonine 52 with serine.
Molecular consequence: missense variant. On other transcripts: non-coding transcript variant (1).
Genome position (GRCh38, 1-based): chr16:75,648,037, C>G. VCF-style: chr16-75648037-C-G. GRCh37 (hg19) VCF-style: chr16-75681935-C-G.
Other names: short protein forms T52S.
Identifiers: ClinVar variation 3325474 (VCV003325474.2).

ClinVar aggregate classification (germline): Uncertain significance. Review status: criteria provided, multiple submitters, no conflicts (2 of 4 stars). 2 submissions from 2 submitters: Uncertain significance (2). Last evaluated 2025-04-17.

gnomAD v4.1: 22 of 1,609,772 alleles (0.0014%); highest among the groups gnomAD compares: Non-Finnish European, 0.0019%; no homozygotes.

Submissions (2):

Labcorp Genetics (formerly Invitae), Labcorp
Classification: Uncertain significance. Last evaluated: 2025-04-17. Review status: criteria provided, single submitter. Criteria: Invitae Variant Classification Sherloc (09022015). Collection method: clinical testing. Allele origin: germline.
Comment: This sequence change replaces threonine, which is neutral and polar, with serine, which is neutral and polar, at codon 52 of the TERF2IP protein (p.Thr52Ser). This variant is present in population databases (rs754940539, gnomAD 0.001%). This variant has not been reported in the literature in individuals affected with TERF2IP-related conditions. ClinVar contains an entry for this variant (Variation ID: 3325474). An algorithm developed to predict the effect of missense changes on protein structure and function outputs the following: PolyPhen-2: "Benign". The serine amino acid residue is found in multiple mammalian species, which suggests that this missense change does not adversely affect protein function. In summary, the available evidence is currently insufficient to determine the role of this variant in disease. Therefore, it has been classified as a Variant of Uncertain Significance.

Ambry Genetics
Classification: Uncertain significance. Last evaluated: 2024-05-20. Review status: criteria provided, single submitter. Criteria: Ambry Variant Classification Scheme 2023. Collection method: clinical testing. Allele origin: germline.